The following is an entry in ClinVar:

NM_000213.5(ITGB4):c.2115C>A (p.Asp705Glu)

Gene: ITGB4 (integrin subunit beta 4; plus strand). Cytogenetic location: 17q25.1.
Variant type: single nucleotide variant.
Coding change: c.2115C>A on transcript NM_000213.5 (MANE Select); coding-DNA position 2115, C replaced by A.
Protein change: p.Asp705Glu; replaces aspartic acid 705 with glutamic acid.
Molecular consequence: missense variant.
Genome position (GRCh38, 1-based): chr17:75,737,539, C>A. VCF-style: chr17-75737539-C-A. GRCh37 (hg19) VCF-style: chr17-73733620-C-A.
Other names: c.2115C>A, p.Asp705Glu (NM_001005619.2, NM_001005731.3, NM_001321123.2); short protein forms D705E.
Identifiers: ClinVar variation 729205 (VCV000729205.14), dbSNP rs62639300, ClinGen allele CA8769270.

ClinVar aggregate classification (germline): Benign/Likely benign. Review status: criteria provided, multiple submitters, no conflicts (2 of 4 stars). 4 submissions from 4 submitters: Benign (2); Likely benign (2). Last evaluated 2026-01-31.

Conditions:
Junctional epidermolysis bullosa with pyloric atresia. Also called: Junctional Epidermolysis Bullosa- Pyloric Atresia Syndrome; Epidermolysis bullosa, junctional, with pyloric atresia and aplasia cutis congenita; Epidermolysis bullosa junctionalis with pyloric atresia; ITGB4-Related Epidermolysis Bullosa with Pyloric Atresia; APLASIA CUTIS CONGENITA WITH GASTROINTESTINAL ATRESIA; CARMI SYNDROME. Identifiers: Orphanet 79403, MedGen C5676875, MONDO:0009183, OMIM 226730.

Allele frequency attached by ClinVar (database versions not stated): gnomAD exomes 0.00083; ExAC 0.00209; 1000 Genomes Project 30x 0.00297; ESP Exome Variant Server 0.00324; gnomAD 0.00329 and 0.00357; 1000 Genomes Project 0.00359; TOPMed 0.00361.
gnomAD v4.1: 960 of 1,572,890 alleles (0.061%); highest among the groups gnomAD compares: African/African-American, 1.2%; 10 homozygotes.

Submissions (4):

Labcorp Genetics (formerly Invitae), Labcorp
Classification: Benign. Last evaluated: 2026-01-31. Review status: criteria provided, single submitter. Criteria: Invitae Variant Classification Sherloc (09022015). Collection method: clinical testing. Allele origin: germline.

Blueprint Genetics
Classification: Likely benign. Last evaluated: 2024-11-13. Review status: criteria provided, single submitter. Criteria: ACMG Guidelines, 2015. Collection method: clinical testing. Allele origin: germline.

GeneDx
Classification: Likely benign. Last evaluated: 2020-12-03. Review status: criteria provided, single submitter. Criteria: GeneDx Variant Classification Process June 2021. Collection method: clinical testing. Allele origin: germline. Affected: yes.
Comment: See Variant Classification Assertion Criteria.

Illumina Laboratory Services, Illumina
Classification: Benign for Junctional epidermolysis bullosa with pyloric atresia. Last evaluated: 2018-01-12. Review status: criteria provided, single submitter. Criteria: ICSL Variant Classification Criteria 13 December 2019. Collection method: clinical testing. Allele origin: germline.
Comment: This variant was observed in the ICSL laboratory as part of a predisposition screen in an ostensibly healthy population. It had not been previously curated by ICSL or reported in the Human Gene Mutation Database (HGMD: prior to June 1st, 2018), and was therefore a candidate for classification through an automated scoring system. Utilizing variant allele frequency, disease prevalence and penetrance estimates, and inheritance mode, an automated score was calculated to assess if this variant is too frequent to cause the disease. Based on the score and internal cut-off values, a variant classified as benign is not then subjected to further curation. The score for this variant resulted in a classification of benign for this disease.